The following is an entry in ClinVar:

ClinVar aggregate classification (germline): Uncertain significance. Review status: criteria provided, multiple submitters, no conflicts (2 of 4 stars). 4 submissions from 4 submitters: Uncertain significance (4). Last evaluated 2024-10-29.

Conditions:
Inborn genetic diseases. Identifiers: MedGen C0950123, MeSH D030342.

Allele frequency attached by ClinVar (database versions not stated): ExAC 0.00017; 1000 Genomes Project 0.00020; gnomAD 0.00047 and 0.00049; TOPMed 0.00049; ESP Exome Variant Server 0.00051; 1000 Genomes Project 30x 0.00094.
gnomAD v4.1: 147 of 1,606,884 alleles (0.0091%); highest among the groups gnomAD compares: African/African-American, 0.18%; 1 homozygote.

Submissions (4):

Labcorp Genetics (formerly Invitae), Labcorp
Classification: Uncertain significance. Last evaluated: 2024-10-29. Review status: criteria provided, single submitter. Criteria: Invitae Variant Classification Sherloc (09022015). Collection method: clinical testing. Allele origin: germline.
Comment: This sequence change replaces aspartic acid, which is acidic and polar, with alanine, which is neutral and non-polar, at codon 559 of the RTTN protein (p.Asp559Ala). This variant is present in population databases (rs201443817, gnomAD 0.2%). This variant has not been reported in the literature in individuals affected with RTTN-related conditions. ClinVar contains an entry for this variant (Variation ID: 290247). Invitae Evidence Modeling of protein sequence and biophysical properties (such as structural, functional, and spatial information, amino acid conservation, physicochemical variation, residue mobility, and thermodynamic stability) indicates that this missense variant is not expected to disrupt RTTN protein function with a negative predictive value of 80%. In summary, the available evidence is currently insufficient to determine the role of this variant in disease. Therefore, it has been classified as a Variant of Uncertain Significance.

Ambry Genetics
Classification: Uncertain significance for Inborn genetic diseases. Last evaluated: 2024-09-26. Review status: criteria provided, single submitter. Criteria: Ambry Variant Classification Scheme 2023. Collection method: clinical testing. Allele origin: germline.

GeneDx
Classification: Uncertain significance. Last evaluated: 2023-04-18. Review status: criteria provided, single submitter. Criteria: GeneDx Variant Classification Process June 2021. Collection method: clinical testing. Allele origin: germline. Affected: yes.
Comment: Has not been previously published as pathogenic or benign to our knowledge; In silico analysis supports that this missense variant does not alter protein structure/function

Eurofins Ntd Llc (ga)
Classification: Uncertain significance. Last evaluated: 2016-08-15. Review status: criteria provided, single submitter. Criteria: EGL Classification Definitions 2015. Collection method: clinical testing. Allele origin: germline. Observed: 1 variant allele, 1 heterozygote.

NM_173630.4(RTTN):c.1676A>C (p.Asp559Ala)

Gene: RTTN (rotatin; minus strand). Cytogenetic location: 18q22.2.
Variant type: single nucleotide variant.
Coding change: c.1676A>C on transcript NM_173630.4 (MANE Select); coding-DNA position 1676, A replaced by C.
Protein change: p.Asp559Ala; replaces aspartic acid 559 with alanine.
Molecular consequence: missense variant. On other transcripts: 5 prime UTR variant (1).
Genome position (GRCh38, 1-based): chr18:70,168,868, T>G on the plus strand (A>C on the coding strand, the complement: RTTN is on the minus strand). VCF-style: chr18-70168868-T-G. GRCh37 (hg19) VCF-style: chr18-67836104-T-G.
Other names: c.-972A>C (NM_001318520.2); short protein forms D559A.
Identifiers: ClinVar variation 290247 (VCV000290247.14), dbSNP rs201443817, ClinGen allele CA8996120.